The following is an entry in ClinVar:

ClinVar aggregate classification (germline): Uncertain significance (1 of 4 stars; one submission).

Conditions:
Tuberous sclerosis 2 (TSC2). Identifiers: Orphanet 805, MedGen C1860707, MONDO:0013199, OMIM 613254.

Submission:

Labcorp Genetics (formerly Invitae), Labcorp
Classification: Uncertain significance for Tuberous sclerosis 2. Last evaluated: 2022-04-03. Review status: criteria provided, single submitter. Criteria: Invitae Variant Classification Sherloc (09022015). Collection method: clinical testing. Allele origin: germline.
Comment: In summary, the available evidence is currently insufficient to determine the role of this variant in disease. Therefore, it has been classified as a Variant of Uncertain Significance. Advanced modeling of protein sequence and biophysical properties (such as structural, functional, and spatial information, amino acid conservation, physicochemical variation, residue mobility, and thermodynamic stability) performed at Invitae indicates that this missense variant is not expected to disrupt TSC2 protein function. This variant has not been reported in the literature in individuals affected with TSC2-related conditions. This variant is not present in population databases (gnomAD no frequency). This sequence change replaces alanine, which is neutral and non-polar, with valine, which is neutral and non-polar, at codon 68 of the TSC2 protein (p.Ala68Val).

NM_000548.5(TSC2):c.203C>T (p.Ala68Val)

Gene: TSC2 (TSC complex subunit 2; plus strand). Cytogenetic location: 16p13.3.
Variant type: single nucleotide variant.
Coding change: c.203C>T on transcript NM_000548.5 (MANE Select); coding-DNA position 203, C replaced by T.
Protein change: p.Ala68Val; replaces alanine 68 with valine.
Molecular consequence: missense variant. On other transcripts: 5 prime UTR variant (1).
Genome position (GRCh38, 1-based): chr16:2,050,464, C>T. VCF-style: chr16-2050464-C-T. GRCh37 (hg19) VCF-style: chr16-2100465-C-T.
Other names: c.203C>T, p.Ala68Val (NM_001077183.3, NM_001114382.3, NM_001318827.2 and 13 more transcripts); c.56C>T, p.Ala19Val (NM_001318829.2, NM_001406675.1, NM_001406676.1 and 2 more transcripts); c.-24C>T (NM_001318831.2, NM_001406682.1, NM_001406684.1 and 3 more transcripts); c.236C>T, p.Ala79Val (NM_001318832.2); c.-614C>T (NM_001406680.1, NM_001406683.1, NM_001406687.1); c.-243C>T (NM_001406681.1); c.-1229C>T (NM_001406689.1, NM_001406690.1, NM_001406691.1 and 2 more transcripts); c.-1535C>T (NM_001406693.1); and 3 more; short protein forms A68V, A79V, A19V.
Identifiers: ClinVar variation 2120989 (VCV002120989.4), dbSNP rs2548373159, ClinGen allele CA394303531.
Genomic context (GRCh38, chr16:2,050,464, plus strand): 5'-TGAGCATGGAATGTGGCCTCAACAATCGCATCCGGATGATAGGGCAGATTTGTGAAGTCG[C>T]AAAAACCAAGAAATTTGAAGAGGTAGGTTTATCCAGTTGAGCTACTAGAGAGAGGCACGT-3'
Protein context (NP_000539.2, residues 58-78): IRMIGQICEV[Ala68Val]KTKKFEEHAV